The following is an entry in ClinVar:

NM_001329943.3(KIAA0586):c.117G>C (p.Glu39Asp)

Gene: KIAA0586 (KIAA0586; plus strand). Cytogenetic location: 14q23.1.
Variant type: single nucleotide variant.
Coding change: c.117G>C on transcript NM_001329943.3 (MANE Select); coding-DNA position 117, G replaced by C.
Protein change: p.Glu39Asp; replaces glutamic acid 39 with aspartic acid.
Molecular consequence: missense variant. On other transcripts: intron variant (5).
Genome position (GRCh38, 1-based): chr14:58,428,381, G>C. VCF-style: chr14-58428381-G-C. GRCh37 (hg19) VCF-style: chr14-58895099-G-C.
Other names: c.153G>C, p.Glu51Asp (NM_001244189.2); c.72G>C, p.Glu24Asp (NM_001244190.2); c.117G>C, p.Glu39Asp (NM_001329944.2, NM_001329946.2, NM_001329947.2 and 1 more transcripts); c.-57+744G>C (NM_001244192.2, NM_001244191.2); c.-57+568G>C (NM_001364701.2, NM_001329945.2, NM_001364700.1); short protein forms E51D, E39D, E24D.
Identifiers: ClinVar variation 1461525 (VCV001461525.8), dbSNP rs190089844, ClinGen allele CA389859167.

ClinVar aggregate classification (germline): Uncertain significance (1 of 4 stars; one submission).

Conditions:
Short-rib thoracic dysplasia 14 with polydactyly (SRTD14). Identifiers: Orphanet 397715, MedGen C4225286, MONDO:0014688, OMIM 616546.
Joubert syndrome 23 (JBTS23). Identifiers: Orphanet 475, MedGen C4084822, MONDO:0014664, OMIM 616490.

Submission:

Labcorp Genetics (formerly Invitae), Labcorp
Classification: Uncertain significance for Joubert syndrome 23; Short-rib thoracic dysplasia 14 with polydactyly. Last evaluated: 2021-03-25. Review status: criteria provided, single submitter. Criteria: Invitae Variant Classification Sherloc (09022015). Collection method: clinical testing. Allele origin: germline.
Comment: Algorithms developed to predict the effect of missense changes on protein structure and function output the following: SIFT: "Deleterious"; PolyPhen-2: "Benign"; Align-GVGD: "Class C0". The aspartic acid amino acid residue is found in multiple mammalian species, suggesting that this missense change does not adversely affect protein function. These predictions have not been confirmed by published functional studies and their clinical significance is uncertain. In summary, the available evidence is currently insufficient to determine the role of this variant in disease. Therefore, it has been classified as a Variant of Uncertain Significance. This variant has not been reported in the literature in individuals with KIAA0586-related conditions. This variant is not present in population databases (ExAC no frequency). This sequence change replaces glutamic acid with aspartic acid at codon 51 of the KIAA0586 protein (p.Glu51Asp). The glutamic acid residue is moderately conserved and there is a small physicochemical difference between glutamic acid and aspartic acid.